The following is an entry in ClinVar:

NM_145167.3(PIGM):c.940G>A (p.Val314Ile)

Gene: PIGM (phosphatidylinositol glycan anchor biosynthesis class M; minus strand). Cytogenetic location: 1q23.2.
Variant type: single nucleotide variant.
Coding change: c.940G>A on transcript NM_145167.3 (MANE Select); coding-DNA position 940, G replaced by A.
Protein change: p.Val314Ile; replaces valine 314 with isoleucine.
Molecular consequence: missense variant.
Genome position (GRCh38, 1-based): chr1:160,030,800, C>T on the plus strand (G>A on the coding strand, the complement: PIGM is on the minus strand). VCF-style: chr1-160030800-C-T. GRCh37 (hg19) VCF-style: chr1-160000590-C-T.
Other names: short protein forms V314I.
Identifiers: ClinVar variation 4739537 (VCV004739537.1).
Genomic context (GRCh38, chr1:160,030,800, plus strand): 5'-GGGAGGTGCAGACTTTGTTAAAAGTCACAAAAATGGACGTATGAAGAAAACAACAAAAAA[C>T]GAGGTCTCTGTAATAGGCGAAAGACACAGCTGAAAGCAAGATGAGCTGTGGCAGGAATGC-3'
Protein context (NP_660150.1, residues 304-324): AVSFAYYRDL[Val314Ile]FCCFLHTSIF

ClinVar aggregate classification (germline): Uncertain significance (1 of 4 stars; one submission).

Conditions:
Hypercoagulability syndrome due to glycosylphosphatidylinositol deficiency (GPIBD1). Also called: GLYCOSYLPHOSPHATIDYLINOSITOL BIOSYNTHESIS DEFECT 1. Identifiers: Orphanet 83639, MedGen C5201145, MONDO:0012465, OMIM 610293.

Submission:

Labcorp Genetics (formerly Invitae), Labcorp
Classification: Uncertain significance for Hypercoagulability syndrome due to glycosylphosphatidylinositol deficiency. Last evaluated: 2025-12-16. Review status: criteria provided, single submitter. Criteria: Invitae Variant Classification Sherloc (09022015). Collection method: clinical testing. Allele origin: germline.
Comment: This sequence change replaces valine, which is neutral and non-polar, with isoleucine, which is neutral and non-polar, at codon 314 of the PIGM protein (p.Val314Ile). This variant is present in population databases (rs750502070, gnomAD 0.0009%). This variant has not been reported in the literature in individuals affected with PIGM-related conditions. Invitae Evidence Modeling of protein sequence and biophysical properties (such as structural, functional, and spatial information, amino acid conservation, physicochemical variation, residue mobility, and thermodynamic stability) indicates that this missense variant is not expected to disrupt PIGM protein function with a negative predictive value of 80%. In summary, the available evidence is currently insufficient to determine the role of this variant in disease. Therefore, it has been classified as a Variant of Uncertain Significance.